The following continues an entry in ClinVar:

NM_000038.6(APC):c.5026A>G (p.Arg1676Gly)

Gene: APC. ClinVar aggregate classification (germline): Conflicting classifications of pathogenicity. Uncertain significance (5); Benign (2); Likely benign (10).

Submissions 18 to 21 of 21:

PreventionGenetics, part of Exact Sciences
Classification: Likely benign for APC-related condition. Last evaluated: 2024-09-24. Review status: no assertion criteria provided. Collection method: clinical testing. Allele origin: germline. Not counted in ClinVar's aggregate classification.
Comment: This variant is classified as likely benign based on ACMG/AMP sequence variant interpretation guidelines (Richards et al. 2015 PMID: 25741868, with internal and published modifications).

True Health Diagnostics
Classification: Likely benign for Hereditary cancer-predisposing syndrome. Last evaluated: 2017-12-01. Review status: no assertion criteria provided. Collection method: clinical testing. Allele origin: germline. Not counted in ClinVar's aggregate classification.

ITMI
No classification provided. Condition: AllHighlyPenetrant. Last evaluated: 2013-09-19. Review status: no classification provided. Collection method: reference population. Allele origin: germline. Not counted in ClinVar's aggregate classification.
Comment: Please see associated publication for description of ethnicities

Department of Pathology and Laboratory Medicine, Sinai Health System
Classification: Uncertain significance for Carcinoma of colon. Review status: no assertion criteria provided. Collection method: clinical testing. Allele origin: unknown. Affected: yes. Observed: 2 variant alleles. Study: The Canadian Open Genetics Repository (COGR). Not counted in ClinVar's aggregate classification.
Comment: The APC p.Arg1676Gly variant was identified at a frequency of 0.003 in 2 of 660 proband chromosomes from individuals or families with FAP/MAP and colorectal cancer, and was present at a frequency of 0.001 in 1 of 1938 control chromosomes from healthy individuals matched for age, sex and race (Azzopardi 2008, Kraus 2014). In both cases the variant was identified with another variant of uncertain significance, APC p.Pro2467Thr. The variant was also identified in dbSNP (ID: rs370560998) as â€šÃ„ÃºWith Uncertain significance alleleâ€šÃ„Ã¹; NHLBI GO Exome Sequencing Project in 2 of 8600 European American chromosomes; in the Exome Aggregation Consortium database (March 14, 2016) in 16 of 120974 chromosomes (freq. 0.0001323) in the following populations: European (Non-Finnish) in 11 of 66570 chromosomes (freq. 0.0001652), South Asian in 3 of 16492 chromosomes (freq. 0.0001819), Latino in 2 of 11510 chromosomes (freq. 0.0001738), but was not seen in African, East Asian, Finnish and Other populations; Clinvitae database (4x uncertain significance); ClinVar database (uncertain significance by University of Washington Medical School, Ambry Genetics, Invitae, Division of Genomic Diagnostics-the Childrenâ€šÃ„Ã´s Hospital Of Philadelphia, and GeneDx, ITMI did not provide a classification); the COGR database (uncertain significance), and UMD (1x with unclassified variant, the variant co-occurred with a non-synonymous variant c.7399C>A, p.Pro2467Thr). The p.Arg1676 residue is not conserved in mammals and the variant amino acid Glycine (Gly) is present in Platypus and Chicken, increasing the likelihood that this variant does not have clinical significance, and four out of five computational analyses (PolyPhen-2, SIFT, AlignGVGD, BLOSUM, MutationTaster) do not suggest a high likelihood of impact to the protein; however, this information is not predictive enough to rule out pathogenicity. The variant occurs outside of the splicing consensus sequence and in silico or computational prediction software programs (SpliceSiteFinder, MaxEntScan, NNSPLICE, GeneSplicer, HumanSpliceFinder) do not predict a difference in splicing. However, in a study looking at rare nonsynonomous variants the authors note that multiple rare inherited non-synonymous variants of APC were significantly over represented in patients who did not carry conventional pathogenic mutations in the APC or MUTYH genes. The authors felt that patients with 2 rare non-synonymous heterozygous variants, involved in âˆšÃ¼-catenin down-regulation domain of APC protein, are likely to predispose to colorectal adenomas as compared to non FAP/MAP patients. The non-synonymous variants, c.5026A>G, R1676G and c.7399C>A, P2467T were seen together in 1 patient in their cohort and thought to together act as low penetrance disease alleles (Azzopardi 2008). In summary, based on the above information, the clinical significance of this variant cannot be determined with certainty at this time. This variant is classified as a variant of uncertain significance.

Literature cited by the submitters: PubMed 18199528 (cited by 3 submitters); PubMed 21859464 (cited by Center for Genomic Medicine, Rigshospitalet, Copenhagen University Hospital); PubMed 24728327 (cited by 3 submitters); PubMed 25980754 (cited by Women's Health and Genetics/Laboratory Corporation of America, LabCorp and Ambry Genetics); PubMed 25142776 (cited by Women's Health and Genetics/Laboratory Corporation of America, LabCorp and Ambry Genetics); PubMed 26976419 (cited by Women's Health and Genetics/Laboratory Corporation of America, LabCorp); PubMed 26580448 (cited by Women's Health and Genetics/Laboratory Corporation of America, LabCorp); PubMed 32994724 (cited by Women's Health and Genetics/Laboratory Corporation of America, LabCorp); PubMed 35264596 (cited by Women's Health and Genetics/Laboratory Corporation of America, LabCorp); PubMed 25637381 (cited by Ambry Genetics).